The following is an entry in ClinVar:

NM_000540.3(RYR1):c.7921C>T (p.Leu2641Phe)

Gene: RYR1 (ryanodine receptor 1; plus strand). Cytogenetic location: 19q13.2.
Variant type: single nucleotide variant.
Coding change: c.7921C>T on transcript NM_000540.3 (MANE Select); coding-DNA position 7921, C replaced by T.
Protein change: p.Leu2641Phe; replaces leucine 2641 with phenylalanine.
Molecular consequence: missense variant.
Genome position (GRCh38, 1-based): chr19:38,502,965, C>T. VCF-style: chr19-38502965-C-T. GRCh37 (hg19) VCF-style: chr19-38993605-C-T.
Other names: c.7921C>T, p.Leu2641Phe (NM_001042723.2); short protein forms L2641F.
Identifiers: ClinVar variation 3034823 (VCV003034823.2), dbSNP rs371447916, ClinGen allele CA308113606.
Genomic context (GRCh38, chr19:38,502,965, plus strand): 5'-CACCTGTTGCGCCGCCTGGTGTTCGACGTGCCCATCCTCAACGAGTTCGCCAAGATGCCA[C>T]TCAAGGTGAGGGCAAGCGCTCTTTAGCATCTCATTTCCAGGCCGCACCCACTGGTTTGCT-3'
Protein context (NP_000531.2, residues 2631-2651): PILNEFAKMP[Leu2641Phe]KLLTNHYERC

ClinVar aggregate classification (germline): Uncertain significance (0 of 4 stars; one submission).

Conditions:
RYR1-related disorder. Also called: RYR1-related condition; RYR1-related disorders. Identifiers: MedGen CN239331.

Allele frequency attached by ClinVar (database versions not stated): gnomAD 0.00001; TOPMed 0.00001; ESP Exome Variant Server 0.00008.
gnomAD v4.1: 6 of 1,609,034 alleles (0.00037%); highest among the groups gnomAD compares: Non-Finnish European, 0.00042%; no homozygotes.

Submission:

PreventionGenetics, part of Exact Sciences
Classification: Uncertain significance for RYR1-related condition. Last evaluated: 2023-11-09. Review status: no assertion criteria provided. Collection method: clinical testing. Allele origin: germline.
Comment: The RYR1 c.7921C>T variant is predicted to result in the amino acid substitution p.Leu2641Phe. To our knowledge, this variant has not been reported in the literature or in a large population database, indicating this variant is rare. At this time, the clinical significance of this variant is uncertain due to the absence of conclusive functional and genetic evidence.